The following is an entry in ClinVar:

Single allele

Genes: ARGFX (arginine-fifty homeobox; plus strand), MIR5092 (microRNA 5092; minus strand), MYLK-AS1 (MYLK antisense RNA 1; plus strand), SEC22A (SEC22 homolog A, vesicle trafficking protein; plus strand), HCLS1 (hematopoietic cell-specific Lyn substrate 1; minus strand) and 272 more. Cytogenetic location: 3q13.33-21.3.
Variant type: Duplication.
Identifiers: ClinVar variation 4819208 (VCV004819208.1).

ClinVar aggregate classification (germline): Pathogenic (1 of 4 stars; one submission).

Conditions:
Partial duplication of the long arm of chromosome 3. Identifiers: Orphanet 262851, MedGen C0795809, MONDO:0016954.

Submission:

Broad Center for Mendelian Genomics, Broad Institute of MIT and Harvard
Classification: Pathogenic for Partial duplication of the long arm of chromosome 3. Last evaluated: 2023-05-01. Review status: criteria provided, single submitter. Criteria: ACMG/ClinGen CNV Guidelines, 2019. Collection method: research. Allele origin: germline. Inheritance: Autosomal dominant inheritance. Affected: yes.
Comment: These breakpoints have been called by exome sequencing only and therefore may not reflect the true breakpoints. The patient phenotype is nonspecific, but is consistent with cases described in the literature and/or published databases with overlapping variants. There is complete overlap with the KALRN and KPNA1 genes which have not been assessed by the ClinGen Dosage Sensitivity Working Group. Data from large population studies are insufficient to assess the frequency of this variant. In summary, this variant meets criteria to be classified as pathogenic for autosomal dominant 3q duplication syndrome. The ACMG/ClinGen evidence codes and points used in this curation are as follows: 1: 0 points, 2: 0 points, 3: 0.90 points, 4-5: 0.1 points; Total: 1 points; Riggs 2020 (PMID: 31690835).